The following is an entry in ClinVar:

NM_058216.3(RAD51C):c.965+1G>C

Gene: RAD51C (RAD51 paralog C; plus strand). Cytogenetic location: 17q22.
Variant type: single nucleotide variant.
Coding change: c.965+1G>C on transcript NM_058216.3 (MANE Select); the canonical splice donor site of the intron after coding-DNA position 965, G replaced by C.
Molecular consequence: splice donor variant.
Genome position (GRCh38, 1-based): chr17:58,724,101, G>C. VCF-style: chr17-58724101-G-C. GRCh37 (hg19) VCF-style: chr17-56801462-G-C.
Identifiers: ClinVar variation 4724570 (VCV004724570.1).

ClinVar aggregate classification (germline): Pathogenic (1 of 4 stars; one submission).

Conditions:
Fanconi anemia complementation group O. Also called: RAD51C-Related Fanconi Anemia. Identifiers: Orphanet 84, MedGen C3150653, MONDO:0013248, OMIM 613390.

Submission:

Labcorp Genetics (formerly Invitae), Labcorp
Classification: Pathogenic for Fanconi anemia complementation group O. Last evaluated: 2025-07-31. Review status: criteria provided, single submitter. Criteria: Invitae Variant Classification Sherloc (09022015). Collection method: clinical testing. Allele origin: germline.
Comment: This sequence change affects a donor splice site in intron 7 of the RAD51C gene. RNA analysis indicates that disruption of this splice site induces altered splicing and may result in an absent or altered protein product. This variant is not present in population databases (gnomAD no frequency). Disruption of this splice site has been observed in individual(s) with breast cancer (PMID: 26681312). Studies have shown that disruption of this splice site alters mRNA splicing and is expected to lead to the loss of protein expression (PMID: 35740625; internal data). For these reasons, this variant has been classified as Pathogenic.

Literature cited by the submitters: PubMed 26681312; PubMed 35740625.